The following is an entry in ClinVar:

ClinVar aggregate classification (germline): Likely pathogenic (1 of 4 stars; one submission).

Conditions:
Multiple endocrine neoplasia, type 1 (MEN1). Also called: MEN I; WERMER SYNDROME; Endocrine adenomatosis multiple; MEN 1; MEA I. Identifiers: Orphanet 652, MedGen C0025267, MeSH D018761, MONDO:0007540, OMIM 131100.

Submission:

Labcorp Genetics (formerly Invitae), Labcorp
Classification: Likely pathogenic for Multiple endocrine neoplasia, type 1. Last evaluated: 2023-05-22. Review status: criteria provided, single submitter. Criteria: Invitae Variant Classification Sherloc (09022015). Collection method: clinical testing. Allele origin: germline.
Comment: This sequence change replaces histidine, which is basic and polar, with proline, which is neutral and non-polar, at codon 46 of the MEN1 protein (p.His46Pro). In summary, the currently available evidence indicates that the variant is pathogenic, but additional data are needed to prove that conclusively. Therefore, this variant has been classified as Likely Pathogenic. Advanced modeling of protein sequence and biophysical properties (such as structural, functional, and spatial information, amino acid conservation, physicochemical variation, residue mobility, and thermodynamic stability) performed at Invitae indicates that this missense variant is expected to disrupt MEN1 protein function. ClinVar contains an entry for this variant (Variation ID: 1498646). This missense change has been observed in individual(s) with clinical features of MEN1-related conditions (Invitae). This variant is not present in population databases (gnomAD no frequency).

NM_001370259.2(MEN1):c.137A>C (p.His46Pro)

Gene: MEN1 (menin 1; minus strand). Cytogenetic location: 11q13.1.
Variant type: single nucleotide variant.
Coding change: c.137A>C on transcript NM_001370259.2 (MANE Select); coding-DNA position 137, A replaced by C.
Protein change: p.His46Pro; replaces histidine 46 with proline.
Molecular consequence: missense variant.
Genome position (GRCh38, 1-based): chr11:64,809,973, T>G on the plus strand (A>C on the coding strand, the complement: MEN1 is on the minus strand). VCF-style: chr11-64809973-T-G. GRCh37 (hg19) VCF-style: chr11-64577445-T-G.
Other names: c.137A>C, p.His46Pro (NM_000244.4, NM_001370251.2, NM_001370260.2 and 9 more transcripts); short protein forms H46P.
Identifiers: ClinVar variation 1498646 (VCV001498646.8), dbSNP rs2136192730, ClinGen allele CA381187837.